The following is an entry in ClinVar:

ClinVar aggregate classification (germline): Likely pathogenic (1 of 4 stars; one submission).

Submission:

GeneDx
Classification: Likely pathogenic. Last evaluated: 2017-08-21. Review status: criteria provided, single submitter. Criteria: GeneDx Variant Classification (06012015). Collection method: clinical testing. Allele origin: germline. Affected: yes.
Comment: The Q1455X likely pathogenic variant in the COL2A1 gene has not been published as a pathogenic variant, nor has it been reported as a benign variant to our knowledge. Q1455X has been observed de novo at GeneDx. The Q1455X nonsense variant is predicted to cause loss of normal protein function through protein truncation as the last 33 amino acids of the protein are lost. The Q1455X variant is not observed in large population cohorts (Lek et al., 2016; 1000 Genomes Consortium et al., 2015; Exome Variant Server). Therefore, this variant is likely pathogenic; however, the possibility that it is benign cannot be excluded.

NM_001844.5(COL2A1):c.4363C>T (p.Gln1455Ter)

Gene: COL2A1 (collagen type II alpha 1 chain; minus strand). Cytogenetic location: 12q13.11.
Variant type: single nucleotide variant.
Coding change: c.4363C>T on transcript NM_001844.5 (MANE Select); coding-DNA position 4363, C replaced by T.
Protein change: p.Gln1455Ter; replaces glutamine 1455 with a stop codon.
Molecular consequence: nonsense.
Genome position (GRCh38, 1-based): chr12:47,973,508, G>A on the plus strand (C>T on the coding strand, the complement: COL2A1 is on the minus strand). VCF-style: chr12-47973508-G-A. GRCh37 (hg19) VCF-style: chr12-48367291-G-A.
Other names: c.4156C>T, p.Gln1386Ter (NM_033150.3); short protein forms Q1455*, Q1386*.
Identifiers: ClinVar variation 451568 (VCV000451568.2), dbSNP rs1555164217, ClinGen allele CA384533279.